The following is an entry in ClinVar:

ClinVar aggregate classification (germline): Uncertain significance (1 of 4 stars; one submission).

Conditions:
Congenital disorder of deglycosylation (CDDG). Identifiers: MedGen C3808991, MONDO:0031376.

Allele frequency attached by ClinVar (database versions not stated): gnomAD exomes below 0.00001; ExAC 0.00001; gnomAD 0.00001.
gnomAD v4.1: 2 of 1,613,240 alleles (0.00012%); highest among the groups gnomAD compares: Admixed American, 0.0033%; no homozygotes.

Submission:

Labcorp Genetics (formerly Invitae), Labcorp
Classification: Uncertain significance for Congenital disorder of deglycosylation. Last evaluated: 2022-04-15. Review status: criteria provided, single submitter. Criteria: Invitae Variant Classification Sherloc (09022015). Collection method: clinical testing. Allele origin: germline.
Comment: This variant is present in population databases (rs753800017, gnomAD 0.006%). This sequence change replaces asparagine, which is neutral and polar, with isoleucine, which is neutral and non-polar, at codon 415 of the NGLY1 protein (p.Asn415Ile). This variant has not been reported in the literature in individuals affected with NGLY1-related conditions. Algorithms developed to predict the effect of missense changes on protein structure and function are either unavailable or do not agree on the potential impact of this missense change (SIFT: "Deleterious"; PolyPhen-2: "Benign"; Align-GVGD: "Class C0"). In summary, the available evidence is currently insufficient to determine the role of this variant in disease. Therefore, it has been classified as a Variant of Uncertain Significance.

NM_018297.4(NGLY1):c.1244A>T (p.Asn415Ile)

Gene: NGLY1 (N-glycanase 1; minus strand). Cytogenetic location: 3p24.2.
Variant type: single nucleotide variant.
Coding change: c.1244A>T on transcript NM_018297.4 (MANE Select); coding-DNA position 1244, A replaced by T.
Protein change: p.Asn415Ile; replaces asparagine 415 with isoleucine.
Molecular consequence: missense variant.
Genome position (GRCh38, 1-based): chr3:25,733,888, T>A on the plus strand (A>T on the coding strand, the complement: NGLY1 is on the minus strand). VCF-style: chr3-25733888-T-A. GRCh37 (hg19) VCF-style: chr3-25775379-T-A.
Other names: c.1190A>T, p.Asn397Ile (NM_001145293.2); c.1118A>T, p.Asn373Ile (NM_001145294.2); c.1244A>T, p.Asn415Ile (NM_001145295.2); short protein forms N373I, N397I, N415I.
Identifiers: ClinVar variation 2417545 (VCV002417545.7), dbSNP rs753800017, ClinGen allele CA2289220.